The following is an entry in ClinVar:

NR_104080.1(RNU6-9):n.56_57insG

Gene: RNU6-9 (RNA, U6 small nuclear 9; plus strand). Cytogenetic location: 19p13.3.
Variant type: Insertion.
Molecular consequence: non-coding transcript variant (on NR_104080.1).
Genome position: GRCh38 VCF-style: chr19-893539-A-AG. GRCh37 (hg19) VCF-style: chr19-893539-A-AG.
Other names: NC_000019.10:g.893539_893540insG.
Identifiers: ClinVar variation 4282513 (VCV004282513.1).

ClinVar aggregate classification (germline): Uncertain significance (1 of 4 stars; one submission).

Conditions:
Retinitis pigmentosa (RP). Identifiers: Orphanet 791, MedGen C0035334, MeSH D012174, MONDO:0019200, OMIM 268000. Inheritance: Autosomal dominant, autosomal recessive and X linked inheritance.

Submission:

Ophthalmic Genetics Group, Institute of Molecular and Clinical Ophthalmology Basel
Classification: Uncertain significance for Retinitis pigmentosa. Last evaluated: 2025-10-01. Review status: criteria provided, single submitter. Criteria: ACMG Guidelines, 2015. Collection method: research. Allele origin: germline. Affected: yes. Observed: 4 variant alleles.
Comment: The NR_104080.1:n.56_57insG variant is a single base-pair insertion in RNU6-9. It was found in two unrelated probands with retinitis pigmentosa among ~5,000 cases tested. It is absent from gnomAD (v4.1.0) and from AllofUs, therefore, PM2_sup was applied. It also was present in 2 affected family members and not in three unaffected familiy members. Therefore PP1_strong was applied. It was also shown to affect a conserved region and to have an effect on the U4/U6 duplex modeled in 2D. In summary, using ACMG criteria and more specifically ClinGen recommendations, this variant was classified as a variant of uncertain significance (VUS) with PM2_sup and PP1_strong criteria.